The following is an entry in ClinVar:

NM_001378454.1(ALMS1):c.9073C>A (p.Pro3025Thr)

Gene: ALMS1 (ALMS1 centrosome and basal body associated protein; plus strand). Cytogenetic location: 2p13.1.
Variant type: single nucleotide variant.
Coding change: c.9073C>A on transcript NM_001378454.1 (MANE Select); coding-DNA position 9073, C replaced by A.
Protein change: p.Pro3025Thr; replaces proline 3025 with threonine.
Molecular consequence: missense variant.
Genome position (GRCh38, 1-based): chr2:73,491,032, C>A. VCF-style: chr2-73491032-C-A. GRCh37 (hg19) VCF-style: chr2-73718159-C-A.
Other names: c.9076C>A, p.Pro3026Thr (NM_015120.4); short protein forms P3026T, P3025T.
Identifiers: ClinVar variation 434130 (VCV000434130.9), dbSNP rs773480197, ClinGen allele CA1714598.
Genomic context (GRCh38, chr2:73,491,032, plus strand): 5'-TCACACATTTCTAATATAAATGTTGAAGCCAAGTTCAATACTGTGGTCTCCCAGTCAGCC[C>A]CAAATCACTGTACATTAGCAGCATCTGCATCTACTCCTCCTTCAAATAGAAAAGCACTTT-3'
Protein context (NP_001365383.1, residues 3015-3035): KFNTVVSQSA[Pro3025Thr]NHCTLAASAS

ClinVar aggregate classification (germline): Uncertain significance. Review status: criteria provided, multiple submitters, no conflicts (2 of 4 stars). 2 submissions from 2 submitters: Uncertain significance (2). Last evaluated 2024-03-04.

Conditions:
Alstrom syndrome (ALMS). Identifiers: Orphanet 64, MedGen C0268425, MONDO:0008763, OMIM 203800.

Allele frequency attached by ClinVar (database versions not stated): gnomAD exomes below 0.00001 and 0.00001; gnomAD 0.00001; ExAC 0.00002.
gnomAD v4.1: 6 of 1,614,166 alleles (0.00037%); highest among the groups gnomAD compares: South Asian, 0.0066%; no homozygotes.

Submissions (2):

Labcorp Genetics (formerly Invitae), Labcorp
Classification: Uncertain significance for Alstrom syndrome. Last evaluated: 2024-03-04. Review status: criteria provided, single submitter. Criteria: Invitae Variant Classification Sherloc (09022015). Collection method: clinical testing. Allele origin: germline.
Comment: This sequence change replaces proline, which is neutral and non-polar, with threonine, which is neutral and polar, at codon 3026 of the ALMS1 protein (p.Pro3026Thr). This variant is present in population databases (rs773480197, gnomAD 0.006%). This variant has not been reported in the literature in individuals affected with ALMS1-related conditions. ClinVar contains an entry for this variant (Variation ID: 434130). Experimental studies and prediction algorithms are not available or were not evaluated, and the functional significance of this variant is currently unknown. In summary, the available evidence is currently insufficient to determine the role of this variant in disease. Therefore, it has been classified as a Variant of Uncertain Significance.

Genetic Services Laboratory, University of Chicago
Classification: Uncertain significance. Last evaluated: 2016-12-30. Review status: criteria provided, single submitter. Criteria: ACMG Guidelines, 2015. Collection method: clinical testing. Allele origin: germline. Affected: no.